The following is an entry in ClinVar:

NM_138370.3(PKDCC):c.667G>A (p.Glu223Lys)

Gene: PKDCC (protein kinase domain containing, cytoplasmic; plus strand). Cytogenetic location: 2p21.
Variant type: single nucleotide variant.
Coding change: c.667G>A on transcript NM_138370.3 (MANE Select); coding-DNA position 667, G replaced by A.
Protein change: p.Glu223Lys; replaces glutamic acid 223 with lysine.
Molecular consequence: missense variant.
Genome position (GRCh38, 1-based): chr2:42,053,266, G>A. VCF-style: chr2-42053266-G-A. GRCh37 (hg19) VCF-style: chr2-42280406-G-A.
Other names: short protein forms E223K.
Identifiers: ClinVar variation 1509255 (VCV001509255.5), dbSNP rs753303221, ClinGen allele CA1627973.

ClinVar aggregate classification (germline): Uncertain significance (1 of 4 stars; one submission).

Allele frequency attached by ClinVar (database versions not stated): gnomAD exomes 0.00001 and 0.00004; ExAC 0.00002; gnomAD 0.00003.
gnomAD v4.1: 29 of 1,570,348 alleles (0.0018%); highest among the groups gnomAD compares: East Asian, 0.034%; no homozygotes.

Submission:

Labcorp Genetics (formerly Invitae), Labcorp
Classification: Uncertain significance. Last evaluated: 2025-06-23. Review status: criteria provided, single submitter. Criteria: Invitae Variant Classification Sherloc (09022015). Collection method: clinical testing. Allele origin: germline.
Comment: This sequence change replaces glutamic acid, which is acidic and polar, with lysine, which is basic and polar, at codon 223 of the PKDCC protein (p.Glu223Lys). This variant is present in population databases (rs753303221, gnomAD 0.05%). This variant has not been reported in the literature in individuals affected with PKDCC-related conditions. ClinVar contains an entry for this variant (Variation ID: 1509255). An algorithm developed to predict the effect of missense changes on protein structure and function (PolyPhen-2) suggests that this variant is likely to be disruptive. In summary, the available evidence is currently insufficient to determine the role of this variant in disease. Therefore, it has been classified as a Variant of Uncertain Significance.